The following is an entry in ClinVar:

ClinVar aggregate classification (germline): Uncertain significance (1 of 4 stars; one submission).

Submission:

GeneDx
Classification: Uncertain significance. Last evaluated: 2023-03-24. Review status: criteria provided, single submitter. Criteria: GeneDx Variant Classification Process June 2021. Collection method: clinical testing. Allele origin: germline. Affected: yes.
Comment: Not observed at significant frequency in large population cohorts (gnomAD); In silico analysis supports that this missense variant does not alter protein structure/function; Has not been previously published as pathogenic or benign to our knowledge

NM_001303052.2(MYT1L):c.2008A>G (p.Ile670Val)

Gene: MYT1L (myelin transcription factor 1 like; minus strand). Cytogenetic location: 2p25.3.
Variant type: single nucleotide variant.
Coding change: c.2008A>G on transcript NM_001303052.2 (MANE Select); coding-DNA position 2008, A replaced by G.
Protein change: p.Ile670Val; replaces isoleucine 670 with valine.
Molecular consequence: missense variant.
Genome position (GRCh38, 1-based): chr2:1,903,104, T>C on the plus strand (A>G on the coding strand, the complement: MYT1L is on the minus strand). VCF-style: chr2-1903104-T-C. GRCh37 (hg19) VCF-style: chr2-1906876-T-C.
Other names: c.2008A>G, p.Ile670Val (NM_001329844.2, NM_001329845.1, NM_001329851.3); c.2002A>G, p.Ile668Val (NM_001329846.3, NM_001329847.2, NM_001329848.1 and 3 more transcripts); short protein forms I668V, I670V.
Identifiers: ClinVar variation 2580463 (VCV002580463.1), dbSNP rs2550814120, ClinGen allele CA345698365.